The following is an entry in ClinVar:

ClinVar aggregate classification (germline): Uncertain significance. Review status: criteria provided, multiple submitters, no conflicts (2 of 4 stars). 2 submissions from 2 submitters: Uncertain significance (2). Last evaluated 2025-10-02.

Conditions:
Inborn genetic diseases. Identifiers: MedGen C0950123, MeSH D030342.
Developmental and epileptic encephalopathy, 23 (DEE23). Also called: Epileptic encephalopathy, early infantile, 23. Identifiers: Orphanet 411986, MedGen C4014492, MONDO:0014371, OMIM 615859.

Allele frequency attached by ClinVar (database versions not stated): TOPMed below 0.00001; gnomAD 0.00001.

Submissions (2):

Ambry Genetics
Classification: Uncertain significance for Inborn genetic diseases. Last evaluated: 2025-10-02. Review status: criteria provided, single submitter. Criteria: Ambry Variant Classification Scheme 2023. Collection method: clinical testing. Allele origin: germline.

Labcorp Genetics (formerly Invitae), Labcorp
Classification: Uncertain significance for Developmental and epileptic encephalopathy, 23. Last evaluated: 2021-12-09. Review status: criteria provided, single submitter. Criteria: Invitae Variant Classification Sherloc (09022015). Collection method: clinical testing. Allele origin: germline.
Comment: This sequence change replaces threonine, which is neutral and polar, with methionine, which is neutral and non-polar, at codon 14 of the DOCK7 protein (p.Thr14Met). This variant is present in population databases (no rsID available, gnomAD 0.004%). This variant has not been reported in the literature in individuals affected with DOCK7-related conditions. ClinVar contains an entry for this variant (Variation ID: 854750). Algorithms developed to predict the effect of missense changes on protein structure and function (SIFT, PolyPhen-2, Align-GVGD) all suggest that this variant is likely to be tolerated. In summary, the available evidence is currently insufficient to determine the role of this variant in disease. Therefore, it has been classified as a Variant of Uncertain Significance.

NM_001367561.1(DOCK7):c.41C>T (p.Thr14Met)

Gene: DOCK7 (dedicator of cytokinesis 7; minus strand). Cytogenetic location: 1p31.3.
Variant type: single nucleotide variant.
Coding change: c.41C>T on transcript NM_001367561.1 (MANE Select); coding-DNA position 41, C replaced by T.
Protein change: p.Thr14Met; replaces threonine 14 with methionine.
Molecular consequence: missense variant.
Genome position (GRCh38, 1-based): chr1:62,663,128, G>A on the plus strand (C>T on the coding strand, the complement: DOCK7 is on the minus strand). VCF-style: chr1-62663128-G-A. GRCh37 (hg19) VCF-style: chr1-63128799-G-A.
Other names: c.41C>T (NM_033407.2); c.41C>T, p.Thr14Met (NM_001271999.2, NM_001272000.2, NM_001272001.2 and 3 more transcripts); short protein forms T14M.
Identifiers: ClinVar variation 854750 (VCV000854750.6), dbSNP rs1211407018, ClinGen allele CA340708389.